The following is an entry in ClinVar:

NM_006231.4(POLE):c.2105G>A (p.Gly702Glu)

Gene: POLE (DNA polymerase epsilon, catalytic subunit; minus strand). Cytogenetic location: 12q24.33.
Variant type: single nucleotide variant.
Coding change: c.2105G>A on transcript NM_006231.4 (MANE Select); coding-DNA position 2105, G replaced by A.
Protein change: p.Gly702Glu; replaces glycine 702 with glutamic acid.
Molecular consequence: missense variant.
Genome position (GRCh38, 1-based): chr12:132,668,424, C>T on the plus strand (G>A on the coding strand, the complement: POLE is on the minus strand). VCF-style: chr12-132668424-C-T. GRCh37 (hg19) VCF-style: chr12-133245010-C-T.
Other names: short protein forms G702E.
Identifiers: ClinVar variation 1347131 (VCV001347131.9), dbSNP rs1320446827, ClinGen allele CA387353937.

ClinVar aggregate classification (germline): Uncertain significance. Review status: criteria provided, multiple submitters, no conflicts (2 of 4 stars). 2 submissions from 2 submitters: Uncertain significance (2). Last evaluated 2025-06-19.

Conditions:
Hereditary cancer-predisposing syndrome. Also called: Hereditary neoplastic syndrome; Tumor predisposition; Neoplastic Syndromes, Hereditary; Hereditary Cancer Syndrome. Identifiers: Orphanet 140162, MedGen C0027672, MeSH D009386, MONDO:0015356.

Allele frequency attached by ClinVar (database versions not stated): gnomAD exomes 0.00001; TOPMed 0.00004.
gnomAD v4.1: 4 of 1,612,738 alleles (0.00025%); highest among the groups gnomAD compares: Admixed American, 0.0067%; no homozygotes.

Submissions (2):

Ambry Genetics
Classification: Uncertain significance for Hereditary cancer-predisposing syndrome. Last evaluated: 2025-06-19. Review status: criteria provided, single submitter. Criteria: Ambry Variant Classification Scheme 2023. Collection method: clinical testing. Allele origin: germline.
Comment: The p.G702E variant (also known as c.2105G>A), located in coding exon 19 of the POLE gene, results from a G to A substitution at nucleotide position 2105. The glycine at codon 702 is replaced by glutamic acid, an amino acid with similar properties. This amino acid position is conserved. In addition, this alteration is predicted to be tolerated by in silico analysis. Since supporting evidence is limited at this time, the clinical significance of this alteration remains unclear.

Labcorp Genetics (formerly Invitae), Labcorp
Classification: Uncertain significance. Last evaluated: 2025-03-19. Review status: criteria provided, single submitter. Criteria: Invitae Variant Classification Sherloc (09022015). Collection method: clinical testing. Allele origin: germline.
Comment: This sequence change replaces glycine, which is neutral and non-polar, with glutamic acid, which is acidic and polar, at codon 702 of the POLE protein (p.Gly702Glu). This variant is present in population databases (no rsID available, gnomAD 0.006%). This variant has not been reported in the literature in individuals affected with POLE-related conditions. ClinVar contains an entry for this variant (Variation ID: 1347131). Invitae Evidence Modeling of protein sequence and biophysical properties (such as structural, functional, and spatial information, amino acid conservation, physicochemical variation, residue mobility, and thermodynamic stability) indicates that this missense variant is not expected to disrupt POLE protein function with a negative predictive value of 80%. In summary, the available evidence is currently insufficient to determine the role of this variant in disease. Therefore, it has been classified as a Variant of Uncertain Significance.